The following is an entry in ClinVar:

NM_017654.4(SAMD9):c.3436G>T (p.Val1146Phe)

Gene: SAMD9 (sterile alpha motif domain containing 9; minus strand). Cytogenetic location: 7q21.2.
Variant type: single nucleotide variant.
Coding change: c.3436G>T on transcript NM_017654.4 (MANE Select); coding-DNA position 3436, G replaced by T.
Protein change: p.Val1146Phe; replaces valine 1146 with phenylalanine.
Molecular consequence: missense variant.
Genome position (GRCh38, 1-based): chr7:93,102,662, C>A on the plus strand (G>T on the coding strand, the complement: SAMD9 is on the minus strand). VCF-style: chr7-93102662-C-A. GRCh37 (hg19) VCF-style: chr7-92731975-C-A.
Other names: c.3436G>T, p.Val1146Phe (NM_001193307.2); c.3436G>T (NM_017654.3); short protein forms V1146F.
Identifiers: ClinVar variation 1721659 (VCV001721659.6), dbSNP rs746851927, ClinGen allele CA4342698.
Genomic context (GRCh38, chr7:93,102,662, plus strand): 5'-ATTCTTTGAATGCACTTGAGGCATGTTCTGCTAAATCCAAAAGAGCAATTAGATCATCAA[C>A]TGAAATGTTCCCGTTTCCTCCGTTTTCCTCTATCCACCATCTTATTTTACTTTTGTAGAC-3'
Protein context (NP_060124.2, residues 1136-1156): EENGGNGNIS[Val1146Phe]DDLIALLDLA

ClinVar aggregate classification (germline): Uncertain significance. Review status: criteria provided, multiple submitters, no conflicts (2 of 4 stars). 2 submissions from 2 submitters: Uncertain significance (2). Last evaluated 2025-10-21.

Conditions:
Inborn genetic diseases. Identifiers: MedGen C0950123, MeSH D030342.

gnomAD v4.1: 2 of 1,613,874 alleles (0.00012%); highest among the groups gnomAD compares: Non-Finnish European, 0.00017%; no homozygotes.

Submissions (2):

Ambry Genetics
Classification: Uncertain significance for Inborn genetic diseases. Last evaluated: 2025-10-21. Review status: criteria provided, single submitter. Criteria: Ambry Variant Classification Scheme 2023. Collection method: clinical testing. Allele origin: germline.
Comment: The p.V1146F variant (also known as c.3436G>T), located in coding exon 1 of the SAMD9 gene, results from a G to T substitution at nucleotide position 3436. The valine at codon 1146 is replaced by phenylalanine, an amino acid with highly similar properties. This amino acid position is conserved. In addition, this alteration is predicted to be tolerated by in silico analysis. Based on the available evidence, the clinical significance of this variant remains unclear.

Labcorp Genetics (formerly Invitae), Labcorp
Classification: Uncertain significance. Last evaluated: 2022-10-14. Review status: criteria provided, single submitter. Criteria: Invitae Variant Classification Sherloc (09022015). Collection method: clinical testing. Allele origin: germline.
Comment: This sequence change replaces valine, which is neutral and non-polar, with phenylalanine, which is neutral and non-polar, at codon 1146 of the SAMD9 protein (p.Val1146Phe). This variant is present in population databases (rs746851927, gnomAD 0.0009%). This variant has not been reported in the literature in individuals affected with SAMD9-related conditions. Advanced modeling of protein sequence and biophysical properties (such as structural, functional, and spatial information, amino acid conservation, physicochemical variation, residue mobility, and thermodynamic stability) performed at Invitae indicates that this missense variant is not expected to disrupt SAMD9 protein function. In summary, the available evidence is currently insufficient to determine the role of this variant in disease. Therefore, it has been classified as a Variant of Uncertain Significance.